The following is an entry in ClinVar:

ClinVar aggregate classification (germline): Uncertain significance. Review status: criteria provided, multiple submitters, no conflicts (2 of 4 stars). 2 submissions from 2 submitters: Uncertain significance (2). Last evaluated 2024-02-16.

Conditions:
Hereditary cancer-predisposing syndrome. Also called: Neoplastic Syndromes, Hereditary; Tumor predisposition; Hereditary Cancer Syndrome; Hereditary neoplastic syndrome. Identifiers: Orphanet 140162, MedGen C0027672, MeSH D009386, MONDO:0015356.
Familial cancer of breast. Also called: BREAST CANCER, FAMILIAL; Hereditary breast cancer; hereditary breast carcinoma. Identifiers: Orphanet 227535, MedGen C0346153, MONDO:0016419, OMIM 114480. Disease mechanism: loss of function.

Allele frequency attached by ClinVar (database versions not stated): TOPMed below 0.00001.

Submissions (2):

Ambry Genetics
Classification: Uncertain significance for Hereditary cancer-predisposing syndrome. Last evaluated: 2024-02-16. Review status: criteria provided, single submitter. Criteria: Ambry Variant Classification Scheme 2023. Collection method: clinical testing. Allele origin: germline.
Comment: The p.V408M variant (also known as c.1222G>A), located in coding exon 10 of the CHEK2 gene, results from a G to A substitution at nucleotide position 1222. The valine at codon 408 is replaced by methionine, an amino acid with highly similar properties. This amino acid position is highly conserved in available vertebrate species. In addition, this alteration is predicted to be deleterious by in silico analysis. Since supporting evidence is limited at this time, the clinical significance of this alteration remains unclear.

Labcorp Genetics (formerly Invitae), Labcorp
Classification: Uncertain significance for Familial cancer of breast. Last evaluated: 2023-01-06. Review status: criteria provided, single submitter. Criteria: Invitae Variant Classification Sherloc (09022015). Collection method: clinical testing. Allele origin: germline.
Comment: In summary, the available evidence is currently insufficient to determine the role of this variant in disease. Therefore, it has been classified as a Variant of Uncertain Significance. Algorithms developed to predict the effect of missense changes on protein structure and function are either unavailable or do not agree on the potential impact of this missense change (SIFT: "Deleterious"; PolyPhen-2: "Probably Damaging"; Align-GVGD: "Class C0"). ClinVar contains an entry for this variant (Variation ID: 483405). This variant has not been reported in the literature in individuals affected with CHEK2-related conditions. This variant is not present in population databases (gnomAD no frequency). This sequence change replaces valine, which is neutral and non-polar, with methionine, which is neutral and non-polar, at codon 408 of the CHEK2 protein (p.Val408Met).

NM_007194.4(CHEK2):c.1222G>A (p.Val408Met)

Gene: CHEK2 (checkpoint kinase 2; minus strand). Cytogenetic location: 22q12.1.
Variant type: single nucleotide variant.
Coding change: c.1222G>A on transcript NM_007194.4 (MANE Select); coding-DNA position 1222, G replaced by A.
Protein change: p.Val408Met; replaces valine 408 with methionine.
Molecular consequence: missense variant.
Genome position (GRCh38, 1-based): chr22:28,695,747, C>T on the plus strand (G>A on the coding strand, the complement: CHEK2 is on the minus strand). VCF-style: chr22-28695747-C-T. GRCh37 (hg19) VCF-style: chr22-29091735-C-T.
Other names: c.1351G>A, p.Val451Met (NM_001005735.3); c.559G>A, p.Val187Met (NM_001257387.3); c.1021G>A, p.Val341Met (NM_001349956.3); c.1135G>A, p.Val379Met (NM_145862.3); short protein forms V408M, V187M, V451M, V341M, V379M.
Identifiers: ClinVar variation 483405 (VCV000483405.10), dbSNP rs1555913700, ClinGen allele CA411096695.